The following is an entry in ClinVar:

ClinVar aggregate classification (germline): Uncertain significance (1 of 4 stars; one submission).

Conditions:
BAAT-related disorder. Also called: BAAT-related condition.

Submission:

PreventionGenetics, part of Exact Sciences
Classification: Uncertain significance for BAAT-related condition. Last evaluated: 2025-02-19. Review status: criteria provided, single submitter. Criteria: ACMG Guidelines, 2015. Collection method: clinical testing. Allele origin: germline.
Comment: The BAAT c.738T>G variant is predicted to result in the amino acid substitution p.Ile246Met. To our knowledge, this variant has not been reported in the literature. This variant is reported in 0.011% of alleles in individuals of African descent in gnomAD. At this time, the clinical significance of this variant is uncertain due to the absence of conclusive functional and genetic evidence.

NM_001701.4(BAAT):c.738T>G (p.Ile246Met)

Gene: BAAT (bile acid-CoA:amino acid N-acyltransferase; minus strand). Cytogenetic location: 9q31.1.
Variant type: single nucleotide variant.
Coding change: c.738T>G on transcript NM_001701.4 (MANE Select); coding-DNA position 738, T replaced by G.
Protein change: p.Ile246Met; replaces isoleucine 246 with methionine.
Molecular consequence: missense variant.
Genome position (GRCh38, 1-based): chr9:101,362,947, A>C on the plus strand (T>G on the coding strand, the complement: BAAT is on the minus strand). VCF-style: chr9-101362947-A-C. GRCh37 (hg19) VCF-style: chr9-104125229-A-C.
Other names: c.738T>G, p.Ile246Met (NM_001127610.2, NM_001374715.1); short protein forms I246M.
Identifiers: ClinVar variation 4987308 (VCV004987308.1).
Genomic context (GRCh38, chr9:101,362,947, plus strand): 5'-AATGCCAAAAGGAAAGTTGGTCCCATTAATAAGTACCGTGGCTGTGACTTGCTTTAGGTA[A>C]ATAGCCATAGATAGTCCAATCTGTACTCCTTGACATACAGAGACTACCCCAACGCCTGAG-3'
Protein context (NP_001692.1, residues 236-256): QGVQIGLSMA[Ile246Met]YLKQVTATVL